The following is an entry in ClinVar:

ClinVar aggregate classification (germline): Uncertain significance. Review status: criteria provided, multiple submitters, no conflicts (2 of 4 stars). 2 submissions from 2 submitters: Uncertain significance (2). Last evaluated 2025-11-18.

Conditions:
TTN-related disorder. Also called: TTN-related disorders; TTN-related condition; TTN-related disease.

Allele frequency attached by ClinVar (database versions not stated): gnomAD 0.00001; gnomAD exomes 0.00001; TOPMed 0.00002.
gnomAD v4.1: 11 of 1,613,088 alleles (0.00068%); highest among the groups gnomAD compares: African/African-American, 0.0027%; no homozygotes.

Submissions (2):

PreventionGenetics, part of Exact Sciences
Classification: Uncertain significance for TTN-related condition. Last evaluated: 2025-11-18. Review status: criteria provided, single submitter. Criteria: ACMG Guidelines, 2015. Collection method: clinical testing. Allele origin: germline.
Comment: The TTN c.19801C>T variant is predicted to result in the amino acid substitution p.Pro6601Ser. This variant has been reported as a variant of uncertain significance in an individual with hypertrophic cardiomyopathy (described as p.P5357S in Table S2, Mademont-Soler et al. 2017. PubMed ID: 28771489). This variant was also documented in a hypertrophic cardiomyopathy case-control study; however, detailed clinical information was not available (Table S14, Thomson et al. 2018. PubMed ID: 30531895). This variant is reported in 0.00089% of alleles in individuals of European (Non-Finnish) descent in gnomAD. At this time, the clinical significance of this variant is uncertain due to the absence of conclusive functional and genetic evidence.

Women's Health and Genetics/Laboratory Corporation of America, LabCorp
Classification: Uncertain significance. Last evaluated: 2023-08-22. Review status: criteria provided, single submitter. Criteria: LabCorp Variant Classification Summary - May 2015. Collection method: clinical testing. Allele origin: germline.
Comment: Variant summary: TTN c.16069C>T (p.Pro5357Ser) results in a non-conservative amino acid change located in the I-band region of the encoded protein sequence. Four of five in-silico tools predict a damaging effect of the variant on protein function. The variant allele was found at a frequency of 4e-06 in 248538 control chromosomes (gnomAD). The available data on variant occurrences in the general population are insufficient to allow any conclusion about variant significance. c.16069C>T has been reported in the literature in an individual(s) affected with Cardiomyopathy without cosegregation information and with other co-occurring variants (Mademont_Soler_2017). These report(s) do not provide unequivocal conclusions about association of the variant with Cardiomyopathy. To our knowledge, no experimental evidence demonstrating an impact on protein function has been reported. The following publications have been ascertained in the context of this evaluation (PMID: 28771489, 30531895). No submitters have cited clinical-significance assessments for this variant to ClinVar after 2014. Based on the evidence outlined above, the variant was classified as uncertain significance.

Literature cited by the submitters: PubMed 28771489 (cited by Women's Health and Genetics/Laboratory Corporation of America, LabCorp); PubMed 30531895 (cited by Women's Health and Genetics/Laboratory Corporation of America, LabCorp).

NM_001267550.2(TTN):c.19801C>T (p.Pro6601Ser)

Genes: TTN (titin; minus strand), LOC126806429 (BRD4-independent group 4 enhancer GRCh37_chr2:179591393-179592592; plus strand). Cytogenetic location: 2q31.2.
Variant type: single nucleotide variant.
Coding change: c.19801C>T on transcript NM_001267550.2 (MANE Select); coding-DNA position 19801, C replaced by T.
Protein change: p.Pro6601Ser; replaces proline 6601 with serine.
Molecular consequence: missense variant. On other transcripts: intron variant (3).
Genome position (GRCh38, 1-based): chr2:178,727,777, G>A on the plus strand (C>T on the coding strand, the complement: TTN is on the minus strand). VCF-style: chr2-178727777-G-A. GRCh37 (hg19) VCF-style: chr2-179592504-G-A.
Other names: c.18850C>T, p.Pro6284Ser (NM_001256850.1); c.16069C>T, p.Pro5357Ser (NM_133378.4); c.13282+10305C>T (NM_003319.4); c.13858+10305C>T (NM_133437.4); c.13657+10305C>T (NM_133432.3); short protein forms P5357S, P6284S, P6601S.
Identifiers: ClinVar variation 2581301 (VCV002581301.2), dbSNP rs1175980116, ClinGen allele CA349550754.
Genomic context (GRCh38, chr2:178,727,777, plus strand): 5'-AACATTTAGGACCTGAGACAAGTTCCACATCATCCTTAAACCATTTTATTTTAAATGGTG[G>A]TGTTCCTTTTAGTATTGCCTTAAATTCCACTGTAGAATCAGGTATGGCTTGCTGTCGCCC-3'
Protein context (NP_001254479.2, residues 6591-6611): VEFKAILKGT[Pro6601Ser]PFKIKWFKDD